The following is an entry in ClinVar:

NM_001370259.2(MEN1):c.1158C>G (p.Gly386=)

Gene: MEN1 (menin 1; minus strand). Cytogenetic location: 11q13.1.
Variant type: single nucleotide variant.
Coding change: c.1158C>G on transcript NM_001370259.2 (MANE Select); coding-DNA position 1158, C replaced by G.
Protein change: p.Gly386=; no amino-acid change (glycine 386 retained).
Molecular consequence: synonymous variant.
Genome position (GRCh38, 1-based): chr11:64,805,662, G>C on the plus strand (C>G on the coding strand, the complement: MEN1 is on the minus strand). VCF-style: chr11-64805662-G-C. GRCh37 (hg19) VCF-style: chr11-64573134-G-C.
Other names: c.1173C>G, p.Gly391= (NM_130800.3, NM_130801.3, NM_130802.3 and 3 more transcripts); c.1284C>G, p.Gly428= (NM_001370251.2); c.1158C>G, p.Gly386= (NM_001370260.2, NM_001370261.2, NM_130799.3); c.1053C>G, p.Gly351= (NM_001370262.2, NM_001370263.2).
Identifiers: ClinVar variation 758402 (VCV000758402.11), dbSNP rs794728653, ClinGen allele CA474983088.

ClinVar aggregate classification (germline): Benign/Likely benign. Review status: criteria provided, multiple submitters, no conflicts (2 of 4 stars). 2 submissions from 2 submitters: Benign (1); Likely benign (1). Last evaluated 2024-11-04.

Conditions:
Multiple endocrine neoplasia, type 1 (MEN1). Also called: MEA I; WERMER SYNDROME; Endocrine adenomatosis multiple; MEN 1; MEN I. Identifiers: Orphanet 652, MedGen C0025267, MeSH D018761, MONDO:0007540, OMIM 131100.

Submissions (2):

Myriad Genetics, Inc.
Classification: Benign for Multiple endocrine neoplasia, type 1. Last evaluated: 2024-11-04. Review status: criteria provided, single submitter. Criteria: Myriad Autosomal Dominant, Autosomal Recessive and X-Linked Classification Criteria (2023). Collection method: clinical testing. Allele origin: unknown.
Comment: This variant is considered benign. This variant is a silent/synonymous amino acid change and it is not expected to impact splicing.

Labcorp Genetics (formerly Invitae), Labcorp
Classification: Likely benign for Multiple endocrine neoplasia, type 1. Last evaluated: 2022-05-17. Review status: criteria provided, single submitter. Criteria: Invitae Variant Classification Sherloc (09022015). Collection method: clinical testing. Allele origin: germline.